The following is an entry in ClinVar:

NM_001374736.1(DST):c.18606G>A (p.Lys6202=)

Gene: DST (dystonin; minus strand). Cytogenetic location: 6p12.1.
Variant type: single nucleotide variant.
Coding change: c.18606G>A on transcript NM_001374736.1 (MANE Select); coding-DNA position 18606, G replaced by A.
Protein change: p.Lys6202=; no amino-acid change (lysine 6202 retained).
Molecular consequence: synonymous variant.
Genome position (GRCh38, 1-based): chr6:56,511,371, C>T on the plus strand (G>A on the coding strand, the complement: DST is on the minus strand). VCF-style: chr6-56511371-C-T. GRCh37 (hg19) VCF-style: chr6-56376169-C-T.
Other names: c.12249G>A, p.Lys4083= (NM_001144769.5); c.11835G>A, p.Lys3945= (NM_001144770.2); c.18606G>A, p.Lys6202= (NM_001374722.1); c.17646G>A, p.Lys5882= (NM_001374729.1); c.11388G>A, p.Lys3796= (NM_001374730.1); c.18633G>A, p.Lys6211= (NM_001374734.1); c.11715G>A, p.Lys3905= (NM_001386100.1, NM_183380.4); c.10737G>A, p.Lys3579= (NM_015548.5); and 1 more.
Identifiers: ClinVar variation 1158868 (VCV001158868.10), dbSNP rs769894107, ClinGen allele CA3867180.
Genomic context (GRCh38, chr6:56,511,371, plus strand): 5'-TTCCCCAGGGCTCAATTCCAGTAACTGTGGCCCAGTTTTGTTCATCTTATCTATATGAGG[C>T]TTGTGTTCAGCTATCAACTCACGCAGTTGCTATAACAAACCAAACAGCTTTTCAGTATCT-3'
Protein context (NP_001361665.1, residues 6192-6212): RQLRELIAEH[Lys6202=]PHIDKMNKTG

ClinVar aggregate classification (germline): Likely benign. Review status: criteria provided, multiple submitters, no conflicts (2 of 4 stars). 2 submissions from 2 submitters: Likely benign (2). Last evaluated 2026-05-12.

Conditions:
Epidermolysis bullosa simplex 3, localized or generalized intermediate, with BP230 deficiency (EBS3). Also called: Epidermolysis bullosa simplex due to BP230 deficiency; Epidermolysis bullosa simplex, autosomal recessive 2. Identifiers: Orphanet 412181, MedGen C3809470, MONDO:0014180, OMIM 615425.
Hereditary sensory and autonomic neuropathy type 6. Also called: Neuropathy, hereditary sensory and autonomic, type VI; HSAN VI. Identifiers: Orphanet 314381, MedGen C3539003, MONDO:0013839, OMIM 614653.
DST-related disorder. Also called: DST-related disorders; DST-related condition.

Allele frequency attached by ClinVar (database versions not stated): gnomAD 0.00001; gnomAD exomes 0.00002 and 0.00007; TOPMed 0.00002; ExAC 0.00006.
gnomAD v4.1: 24 of 1,606,952 alleles (0.0015%); highest among the groups gnomAD compares: Admixed American, 0.034%; no homozygotes.

Submissions (2):

PreventionGenetics, part of Exact Sciences
Classification: Likely benign for DST-related condition. Last evaluated: 2026-05-12. Review status: criteria provided, single submitter. Criteria: ACMG Guidelines, 2015. Collection method: clinical testing. Allele origin: germline.
Comment: This variant is classified as likely benign based on ACMG/AMP sequence variant interpretation guidelines (Richards et al. 2015 PMID: 25741868, with internal and published modifications).

Labcorp Genetics (formerly Invitae), Labcorp
Classification: Likely benign for Epidermolysis bullosa simplex 3, localized or generalized intermediate, with BP230 deficiency; Hereditary sensory and autonomic neuropathy type 6. Last evaluated: 2024-03-04. Review status: criteria provided, single submitter. Criteria: Invitae Variant Classification Sherloc (09022015). Collection method: clinical testing. Allele origin: germline.